The following is an entry in ClinVar:

ClinVar aggregate classification (germline): Benign (1 of 4 stars; one submission).

Conditions:
Leigh syndrome (NULS). Also called: Leigh's necrotizing encephalopathy; Leigh's disease; Leigh's syndrome; LEIGH SYNDROME, NUCLEAR; Leigh Syndrome (mtDNA deletion); Leigh Disease. Identifiers: Orphanet 506, MedGen C2931891, MONDO:0009723, OMIM 256000.

Submission:

Wong Mito Lab, Molecular and Human Genetics, Baylor College of Medicine
Classification: Benign for Leigh syndrome. Last evaluated: 2019-10-17. Review status: criteria provided, single submitter. Criteria: Modified ACMG Guidelines (Unpublished). Collection method: clinical testing. Allele origin: germline.
Comment: The NC_012920.1:m.13924C>T (YP_003024036.1:p.Pro530Ser) variant in MTND5 gene is interpretated to be a Benign variant based on the modified ACMG guidelines (unpublished). This variant meets the following evidence codes: BS1, BS2, BP4

NC_012920.1(MT-ND5):m.13924C>T

Gene: MT-ND5 (mitochondrially encoded NADH dehydrogenase 5; plus strand).
Variant type: single nucleotide variant.
Genome position: chrM-13924-C-T.
Identifiers: ClinVar variation 693634 (VCV000693634.1), dbSNP rs200713907, ClinGen allele CA337099850.
Genomic context (GRCh38, chrMT:13,924, plus strand): 5'-AAACTTAAAATAAAATCCCCACTATGCACATTTTATTTCTCCAACATACTCGGATTCTAC[C>T]CTAGCATCACACACCGCACAATCCCCTATCTAGGCCTTCTTACGAGCCAAAACCTGCCCC-3'